The following is an entry in ClinVar:

ClinVar aggregate classification (germline): Uncertain significance. Review status: criteria provided, multiple submitters, no conflicts (2 of 4 stars). 2 submissions from 2 submitters: Uncertain significance (2). Last evaluated 2024-07-06.

Conditions:
Blau syndrome (BLAUS). Also called: GRANULOMATOSIS, FAMILIAL JUVENILE SYSTEMIC; GRANULOMATOSIS, FAMILIAL, BLAU TYPE; GRANULOMATOUS INFLAMMATORY ARTHRITIS, DERMATITIS, AND UVEITIS, FAMILIAL; JABS SYNDROME; ARTHROCUTANEOUVEAL GRANULOMATOSIS. Identifiers: Orphanet 90340, MedGen C5201146, MONDO:0008523, OMIM 186580.
Regional enteritis. Also called: Enteritis, Granulomatous. Identifiers: MedGen C0678202, MeSH D003424.

Allele frequency attached by ClinVar (database versions not stated): gnomAD 0.00001; gnomAD exomes 0.00001 and 0.00002; TOPMed 0.00001; ExAC 0.00002.
gnomAD v4.1: 23 of 1,614,078 alleles (0.0014%); highest among the groups gnomAD compares: Middle Eastern, 0.016%; no homozygotes.

Submissions (2):

Labcorp Genetics (formerly Invitae), Labcorp
Classification: Uncertain significance for Regional enteritis; Blau syndrome. Last evaluated: 2024-07-06. Review status: criteria provided, single submitter. Criteria: Invitae Variant Classification Sherloc (09022015). Collection method: clinical testing. Allele origin: germline.
Comment: This sequence change replaces arginine, which is basic and polar, with tryptophan, which is neutral and slightly polar, at codon 346 of the NOD2 protein (p.Arg346Trp). This variant is present in population databases (rs753537879, gnomAD 0.003%). This variant has not been reported in the literature in individuals affected with NOD2-related conditions. ClinVar contains an entry for this variant (Variation ID: 1701288). Advanced modeling of protein sequence and biophysical properties (such as structural, functional, and spatial information, amino acid conservation, physicochemical variation, residue mobility, and thermodynamic stability) performed at Invitae indicates that this missense variant is not expected to disrupt NOD2 protein function with a negative predictive value of 95%. In summary, the available evidence is currently insufficient to determine the role of this variant in disease. Therefore, it has been classified as a Variant of Uncertain Significance.

CeGaT Center for Human Genetics Tuebingen
Classification: Uncertain significance. Last evaluated: 2022-07-01. Review status: criteria provided, single submitter. Criteria: CeGaT Center For Human Genetics Tuebingen Variant Classification Criteria Version 2. Collection method: clinical testing. Allele origin: germline. Affected: yes. Observed: 1 variant allele.
Comment: NOD2: PM2, BP4

NM_001370466.1(NOD2):c.955C>T (p.Arg319Trp)

Gene: NOD2 (nucleotide binding oligomerization domain containing 2; plus strand). Cytogenetic location: 16q12.1.
Variant type: single nucleotide variant.
Coding change: c.955C>T on transcript NM_001370466.1 (MANE Select); coding-DNA position 955, C replaced by T.
Protein change: p.Arg319Trp; replaces arginine 319 with tryptophan.
Molecular consequence: missense variant. On other transcripts: non-coding transcript variant (1).
Genome position (GRCh38, 1-based): chr16:50,710,947, C>T. VCF-style: chr16-50710947-C-T. GRCh37 (hg19) VCF-style: chr16-50744858-C-T.
Other names: c.955C>T, p.Arg319Trp (NM_001293557.2); c.1036C>T, p.Arg346Trp (NM_022162.3); short protein forms R319W, R346W.
Identifiers: ClinVar variation 1701288 (VCV001701288.37), dbSNP rs753537879, ClinGen allele CA8051447.
Genomic context (GRCh38, chr16:50,710,947, plus strand): 5'-CTCTTTGTCTTCCCATTCAGCTGCCGGCAGCTGCAGTGCATGGCCAAACCACTCTCTGTG[C>T]GGACTCTACTCTTTGAGCACTGCTGTTGGCCTGATGTTGGTCAAGAAGACATCTTCCAGT-3'
Protein context (NP_001357395.1, residues 309-329): LQCMAKPLSV[Arg319Trp]TLLFEHCCWP